The following is an entry in ClinVar:

ClinVar aggregate classification (germline): Uncertain significance (1 of 4 stars; one submission).

Conditions:
Bethlem myopathy 1A. Also called: MYOPATHY, BENIGN CONGENITAL, WITH CONTRACTURES; Bethlem myopathy 1; Bethlem Muscular Dystrophy. Identifiers: Orphanet 610, MedGen CN029274, MONDO:0024530, OMIM 158810.

Submission:

Labcorp Genetics (formerly Invitae), Labcorp
Classification: Uncertain significance for Bethlem myopathy 1A. Last evaluated: 2022-06-13. Review status: criteria provided, single submitter. Criteria: Invitae Variant Classification Sherloc (09022015). Collection method: clinical testing. Allele origin: germline.
Comment: In summary, the available evidence is currently insufficient to determine the role of this variant in disease. Therefore, it has been classified as a Variant of Uncertain Significance. Advanced modeling of protein sequence and biophysical properties (such as structural, functional, and spatial information, amino acid conservation, physicochemical variation, residue mobility, and thermodynamic stability) performed at Invitae indicates that this missense variant is not expected to disrupt COL6A3 protein function. This variant has not been reported in the literature in individuals affected with COL6A3-related conditions. This variant is not present in population databases (gnomAD no frequency). This sequence change replaces lysine, which is basic and polar, with glutamic acid, which is acidic and polar, at codon 514 of the COL6A3 protein (p.Lys514Glu).

NM_004369.4(COL6A3):c.1540A>G (p.Lys514Glu)

Gene: COL6A3 (collagen type VI alpha 3 chain; minus strand). Cytogenetic location: 2q37.3.
Variant type: single nucleotide variant.
Coding change: c.1540A>G on transcript NM_004369.4 (MANE Select); coding-DNA position 1540, A replaced by G.
Protein change: p.Lys514Glu; replaces lysine 514 with glutamic acid.
Molecular consequence: missense variant.
Genome position (GRCh38, 1-based): chr2:237,381,272, T>C on the plus strand (A>G on the coding strand, the complement: COL6A3 is on the minus strand). VCF-style: chr2-237381272-T-C. GRCh37 (hg19) VCF-style: chr2-238289915-T-C.
Other names: c.319A>G, p.Lys107Glu (NM_057164.5, NM_057166.5); c.922A>G, p.Lys308Glu (NM_057165.5, NM_057167.4); short protein forms K107E, K308E, K514E.
Identifiers: ClinVar variation 2026387 (VCV002026387.4), dbSNP rs2469929533, ClinGen allele CA351217693.
Genomic context (GRCh38, chr2:237,381,272, plus strand): 5'-TACGAACAAAGTCTAGAGCAGAGCCCGTGTACAGGGCCGAGCCGTCCAGGGGCTTCATTT[T>C]CCGCACAGCGGTTATGACTTCCCTTTTTGTTGGATGGGTATTGAAATAAAATTCAGGCCT-3'
Protein context (NP_004360.2, residues 504-524): TKREVITAVR[Lys514Glu]MKPLDGSALY